The following is an entry in ClinVar:

ClinVar aggregate classification (germline): Uncertain significance. Review status: criteria provided, multiple submitters, no conflicts (2 of 4 stars). 2 submissions from 2 submitters: Uncertain significance (2). Last evaluated 2025-01-24.

Conditions:
Inborn genetic diseases. Identifiers: MedGen C0950123, MeSH D030342.

Allele frequency attached by ClinVar (database versions not stated): 1000 Genomes Project 30x 0.00016.
gnomAD v4.1: 146 of 1,321,644 alleles (0.011%); highest among the groups gnomAD compares: Non-Finnish European, 0.013%; no homozygotes.

Submissions (2):

Ambry Genetics
Classification: Uncertain significance for Inborn genetic diseases. Last evaluated: 2025-01-24. Review status: criteria provided, single submitter. Criteria: Ambry Variant Classification Scheme 2023. Collection method: clinical testing. Allele origin: germline.

GeneDx
Classification: Uncertain significance. Last evaluated: 2024-09-11. Review status: criteria provided, single submitter. Criteria: GeneDx Variant Classification Process June 2021. Collection method: clinical testing. Allele origin: germline.
Comment: Not observed at significant frequency in large population cohorts (gnomAD); In silico analysis supports that this missense variant does not alter protein structure/function; Has not been previously published as pathogenic or benign to our knowledge

NM_005883.3(APC2):c.3992G>A (p.Arg1331His)

Gene: APC2 (APC regulator of Wnt signaling pathway 2; plus strand). Cytogenetic location: 19p13.3.
Variant type: single nucleotide variant.
Coding change: c.3992G>A on transcript NM_005883.3 (MANE Select); coding-DNA position 3992, G replaced by A.
Protein change: p.Arg1331His; replaces arginine 1331 with histidine.
Molecular consequence: missense variant.
Genome position (GRCh38, 1-based): chr19:1,467,293, G>A. VCF-style: chr19-1467293-G-A. GRCh37 (hg19) VCF-style: chr19-1467292-G-A.
Other names: c.3989G>A, p.Arg1330His (NM_001351273.1); short protein forms R1330H, R1331H.
Identifiers: ClinVar variation 2373816 (VCV002373816.5), dbSNP rs962278969, ClinGen allele CA304077998.